The following is an entry in ClinVar:

ClinVar aggregate classification (germline): Uncertain significance. Review status: criteria provided, multiple submitters, no conflicts (2 of 4 stars). 4 submissions from 4 submitters: Uncertain significance (2). 2 of the submissions do not count toward it. Last evaluated 2021-08-20.

Conditions:
Giant axonal neuropathy 1 (GAN1). Also called: GAN-Related Neurodegeneration; GIANT AXONAL NEUROPATHY 1, AUTOSOMAL RECESSIVE. Identifiers: Orphanet 643, MedGen C1850386, MONDO:0009749, OMIM 256850.

Allele frequency attached by ClinVar (database versions not stated): ExAC 0.00001; gnomAD exomes 0.00001; TOPMed 0.00001.
gnomAD v4.1: 36 of 1,613,754 alleles (0.0022%); highest among the groups gnomAD compares: Non-Finnish European, 0.0031%; no homozygotes.

Submissions (4):

Labcorp Genetics (formerly Invitae), Labcorp
Classification: Uncertain significance for Giant axonal neuropathy 1. Last evaluated: 2021-08-20. Review status: criteria provided, single submitter. Criteria: Invitae Variant Classification Sherloc (09022015). Collection method: clinical testing. Allele origin: germline.
Comment: This sequence change replaces cysteine with tyrosine at codon 464 of the GAN protein (p.Cys464Tyr). The cysteine residue is highly conserved and there is a large physicochemical difference between cysteine and tyrosine. This variant is present in population databases (rs777535272, ExAC 0.001%). This missense change has been observed in individual(s) with giant axonal neuropathy (PMID: 23890932). Algorithms developed to predict the effect of missense changes on protein structure and function are either unavailable or do not agree on the potential impact of this missense change (SIFT: "Deleterious"; PolyPhen-2: "Possibly Damaging"; Align-GVGD: "Class C0"). In summary, the available evidence is currently insufficient to determine the role of this variant in disease. Therefore, it has been classified as a Variant of Uncertain Significance.

GeneDx
Classification: Uncertain significance. Last evaluated: 2020-06-02. Review status: criteria provided, single submitter. Criteria: GeneDx Variant Classification Process June 2021. Collection method: clinical testing. Allele origin: germline. Affected: yes.
Comment: Not observed at a significant frequency in large population cohorts (Lek et al., 2016); Missense variants in this gene are often considered pathogenic (Stenson et al., 2014); In silico analysis supports that this missense variant has a deleterious effect on protein structure/function; This variant is associated with the following publications: (PMID: 23890932)

Inherited Neuropathy Consortium Ii, University Of Miami
Classification: Uncertain significance for Giant axonal neuropathy 1. Last evaluated: 2016-01-06. Review status: no assertion criteria provided. Collection method: literature only. Allele origin: germline. Affected: yes. Not counted in ClinVar's aggregate classification.

Inherited Neuropathy Consortium
Classification: Uncertain significance for Giant axonal neuropathy. Review status: no assertion criteria provided. Collection method: literature only. Allele origin: germline. Affected: yes. Not counted in ClinVar's aggregate classification.

Literature cited by the submitters: PubMed 23890932 (cited by 3 submitters).

NM_022041.4(GAN):c.1391G>A (p.Cys464Tyr)

Gene: GAN (gigaxonin; plus strand). Cytogenetic location: 16q23.2.
Variant type: single nucleotide variant.
Coding change: c.1391G>A on transcript NM_022041.4 (MANE Select); coding-DNA position 1391, G replaced by A.
Protein change: p.Cys464Tyr; replaces cysteine 464 with tyrosine.
Molecular consequence: missense variant.
Genome position (GRCh38, 1-based): chr16:81,365,367, G>A. VCF-style: chr16-81365367-G-A. GRCh37 (hg19) VCF-style: chr16-81398972-G-A.
Other names: c.752G>A, p.Cys251Tyr (NM_001377486.1); short protein forms C464Y, C251Y.
Identifiers: ClinVar variation 533933 (VCV000533933.10), dbSNP rs777535272, ClinGen allele CA8191757.